The following is an entry in ClinVar:

NM_139248.3(LIPH):c.49+1G>A

Gene: LIPH (lipase H; minus strand). Cytogenetic location: 3q27.2.
Variant type: single nucleotide variant.
Coding change: c.49+1G>A on transcript NM_139248.3 (MANE Select); the canonical splice donor site of the intron after coding-DNA position 49, G replaced by A.
Molecular consequence: splice donor variant.
Genome position (GRCh38, 1-based): chr3:185,552,422, C>T on the plus strand (G>A on the coding strand, the complement: LIPH is on the minus strand). VCF-style: chr3-185552422-C-T. GRCh37 (hg19) VCF-style: chr3-185270210-C-T.
Other names: c.49+1G>A (NM_001438029.1, NM_001438651.1); c.-185+1G>A (NM_001438652.1).
Identifiers: ClinVar variation 4882567 (VCV004882567.2).
Genomic context (GRCh38, chr3:185,552,422, plus strand): 5'-TGACAACACAACTAATTCTATTTTTTAAGCAGTTAAGAAAACCAGTTTGTAAATAACCTA[C>T]CTGATCTTGACAAGCACAACAAACTGATGAATAAGTAGAATCTCAACATATGGAAACTGG-3'

ClinVar aggregate classification (germline): Likely pathogenic (1 of 4 stars; one submission).

gnomAD v4.1: 3 of 1,599,740 alleles (0.00019%); highest among the groups gnomAD compares: South Asian, 0.0022%; no homozygotes.

Submission:

Dasa
Classification: Likely pathogenic. Last evaluated: 2026-01-13. Review status: criteria provided, single submitter. Criteria: DASA Assertion Criteria. Collection method: clinical testing. Allele origin: germline.
Comment: NM_139248.3(LIPH):c.49+1G>A affects a canonical splice site and is predicted to disrupt normal RNA splicing. Loss of function is an established disease mechanism for LIPH-associated disorders. Also, this variant is rare in population databases. Based on the currently available evidence, this variant is classified as likely pathogenic.